The following is an entry in ClinVar:

NM_002225.5(IVD):c.*1376G>A

Gene: IVD (isovaleryl-CoA dehydrogenase; plus strand). Cytogenetic location: 15q15.1.
Variant type: single nucleotide variant.
Coding change: c.*1376G>A on transcript NM_002225.5 (MANE Select); 1376 bases downstream of the stop codon, G replaced by A.
Molecular consequence: 3 prime UTR variant. On other transcripts: intron variant (3).
Genome position (GRCh38, 1-based): chr15:40,419,639, G>A. VCF-style: chr15-40419639-G-A. GRCh37 (hg19) VCF-style: chr15-40711838-G-A.
Other names: c.*1376G>A (NM_001159508.3, NM_001354597.3, NM_001354599.3); c.1225+3277G>A (NM_001354600.3); c.1138+3277G>A (NM_001354598.3, NM_001354601.3).
Identifiers: ClinVar variation 884433 (VCV000884433.4), dbSNP rs536344215, ClinGen allele CA268782504.

ClinVar aggregate classification (germline): Likely benign (1 of 4 stars; one submission).

Conditions:
Isovaleryl-CoA dehydrogenase deficiency (IVA). Also called: ISOVALERIC ACID CoA DEHYDROGENASE DEFICIENCY; Isovaleric acidemia; Classic Isovaleric Acidemia; IVD DEFICIENCY. Identifiers: Orphanet 33, MedGen C0268575, MONDO:0009475, OMIM 243500.

Allele frequency attached by ClinVar (database versions not stated): 1000 Genomes Project 30x 0.00047; 1000 Genomes Project 0.00060; gnomAD 0.00081 and 0.00082; TOPMed 0.00096.

Submission:

Illumina Laboratory Services, Illumina
Classification: Likely benign for Isovaleryl-CoA dehydrogenase deficiency. Last evaluated: 2018-01-12. Review status: criteria provided, single submitter. Criteria: ICSL Variant Classification Criteria 13 December 2019. Collection method: clinical testing. Allele origin: germline.
Comment: This variant was observed in the ICSL laboratory as part of a predisposition screen in an ostensibly healthy population. It had not been previously curated by ICSL or reported in the Human Gene Mutation Database (HGMD: prior to June 1st, 2018), and was therefore a candidate for classification through an automated scoring system. Utilizing variant allele frequency, disease prevalence and penetrance estimates, and inheritance mode, an automated score was calculated to assess if this variant is too frequent to cause the disease. Based on the score and internal cut-off values, a variant classified as likely benign is not then subjected to further curation. The score for this variant resulted in a classification of likely benign for this disease.